The following is an entry in ClinVar:

ClinVar aggregate classification (germline): Pathogenic (1 of 4 stars; one submission).

Conditions:
Vici syndrome (VICIS). Identifiers: Orphanet 1493, MedGen C1855772, MONDO:0009452, OMIM 242840.

Submission:

Labcorp Genetics (formerly Invitae), Labcorp
Classification: Pathogenic for Vici syndrome. Last evaluated: 2023-09-12. Review status: criteria provided, single submitter. Criteria: Invitae Variant Classification Sherloc (09022015). Collection method: clinical testing. Allele origin: germline.
Comment: This variant has not been reported in the literature in individuals affected with EPG5-related conditions. Algorithms developed to predict the effect of sequence changes on RNA splicing suggest that this variant may disrupt the consensus splice site. For these reasons, this variant has been classified as Pathogenic. This variant is not present in population databases (gnomAD no frequency). This sequence change creates a premature translational stop signal (p.Thr2137Argfs*6) in the EPG5 gene. It is expected to result in an absent or disrupted protein product. Loss-of-function variants in EPG5 are known to be pathogenic (PMID: 23222957, 23674064).

Literature cited by the submitters: PubMed 23222957; PubMed 23674064.

NM_020964.3(EPG5):c.6410_6411del (p.Thr2137fs)

Gene: EPG5 (ectopic P-granules 5 autophagy tethering factor; minus strand). Cytogenetic location: 18q12.3.
Variant type: Deletion.
Coding change: c.6410_6411del on transcript NM_020964.3 (MANE Select); coding-DNA positions 6410 to 6411, 2 bases deleted (CA; older notation c.6410_6411delCA).
Protein change: p.Thr2137fs; shifts the reading frame from threonine 2137.
Molecular consequence: frameshift variant.
Genome position (GRCh38, 1-based): chr18:45,867,563-45,867,564, TG deleted on the plus strand (CA on the coding strand, the reverse complement: EPG5 is on the minus strand); deleting any 2 consecutive bases within chr18:45,867,563-45,867,565 gives the same sequence; the c. name uses the placement nearest the transcript's 3' end. VCF-style (leftmost placement, unchanged base first): chr18-45867562-CTG-C. GRCh37 (hg19) VCF-style: chr18-43447527-CTG-C.
Other names: c.6410_6411del, p.Thr2137fs (NM_001410858.1); c.6407_6408del, p.Thr2136fs (NM_001410859.1); short protein forms T2136fs, T2137fs.
Identifiers: ClinVar variation 2760313 (VCV002760313.3), dbSNP rs2511491127, ClinGen allele CA2697555406.